The following is an entry in ClinVar:

NM_176822.4(NLRP14):c.2066C>G (p.Ala689Gly)

Gene: NLRP14 (NLR family pyrin domain containing 14; plus strand). Cytogenetic location: 11p15.4.
Variant type: single nucleotide variant.
Coding change: c.2066C>G on transcript NM_176822.4 (MANE Select); coding-DNA position 2066, C replaced by G.
Protein change: p.Ala689Gly; replaces alanine 689 with glycine.
Molecular consequence: missense variant.
Genome position (GRCh38, 1-based): chr11:7,046,775, C>G. VCF-style: chr11-7046775-C-G. GRCh37 (hg19) VCF-style: chr11-7068006-C-G.
Other names: short protein forms A689G.
Identifiers: ClinVar variation 103344 (VCV000103344.2), dbSNP rs199475884, ClinGen allele CA230448.

ClinVar aggregate classification (germline): not provided (0 of 4 stars; one submission).

Allele frequency attached by ClinVar (database versions not stated): gnomAD exomes 0.00001 and 0.00002; ExAC 0.00003; TOPMed 0.00005; gnomAD 0.00007; ESP Exome Variant Server 0.00015.
gnomAD v4.1: 25 of 1,613,320 alleles (0.0015%); highest among the groups gnomAD compares: African/African-American, 0.019%; no homozygotes.

Submission:

Human Evolutionary Genetics, Institut Pasteur
No classification provided. Review status: no classification provided. Collection method: not provided. Allele origin: germline.
ClinVar note: Converted during submission from untested to not provided.